The following is an entry in ClinVar:

ClinVar aggregate classification (germline): Uncertain significance (1 of 4 stars; one submission).

Submission:

Ambry Genetics
Classification: Uncertain significance. Last evaluated: 2023-08-03. Review status: criteria provided, single submitter. Criteria: Ambry Variant Classification Scheme 2023. Collection method: clinical testing. Allele origin: germline.
Comment: The p.C792W variant (also known as c.2376T>G), located in coding exon 4 of the ALPK2 gene, results from a T to G substitution at nucleotide position 2376. The cysteine at codon 792 is replaced by tryptophan, an amino acid with highly dissimilar properties. This amino acid position is conserved. In addition, this alteration is predicted to be tolerated by in silico analysis. Since supporting evidence is limited at this time, the clinical significance of this alteration remains unclear.

NM_052947.4(ALPK2):c.2376T>G (p.Cys792Trp)

Gene: ALPK2 (alpha kinase 2; minus strand). Cytogenetic location: 18q21.31.
Variant type: single nucleotide variant.
Coding change: c.2376T>G on transcript NM_052947.4 (MANE Select); coding-DNA position 2376, T replaced by G.
Protein change: p.Cys792Trp; replaces cysteine 792 with tryptophan.
Molecular consequence: missense variant.
Genome position (GRCh38, 1-based): chr18:58,537,811, A>C on the plus strand (T>G on the coding strand, the complement: ALPK2 is on the minus strand). VCF-style: chr18-58537811-A-C. GRCh37 (hg19) VCF-style: chr18-56205043-A-C.
Other names: short protein forms C792W.
Identifiers: ClinVar variation 2626022 (VCV002626022.2), dbSNP rs2518877769, ClinGen allele CA402570907.